The following is an entry in ClinVar:

NM_004168.4(SDHA):c.1663+1G>C

Gene: SDHA (succinate dehydrogenase complex flavoprotein subunit A; plus strand). Cytogenetic location: 5p15.33.
Variant type: single nucleotide variant.
Coding change: c.1663+1G>C on transcript NM_004168.4 (MANE Select); the canonical splice donor site of the intron after coding-DNA position 1663, G replaced by C.
Molecular consequence: splice donor variant. On other transcripts: intron variant (1).
Genome position (GRCh38, 1-based): chr5:251,104, G>C. VCF-style: chr5-251104-G-C. GRCh37 (hg19) VCF-style: chr5-251219-G-C.
Other names: c.1552-3289G>C (NM_001330758.2); c.1519+1G>C (NM_001294332.2).
Identifiers: ClinVar variation 2033420 (VCV002033420.4), dbSNP rs766667009, ClinGen allele CA358999018.

ClinVar aggregate classification (germline): Pathogenic (1 of 4 stars; one submission).

Conditions:
Pheochromocytoma/paraganglioma syndrome 5. Also called: Paragangliomas 5; SDHA-Related Hereditary Paraganglioma-Pheochromocytoma Syndrome. Identifiers: Orphanet 29072, MedGen C3279992, MONDO:0013602, OMIM 614165.
Mitochondrial complex II deficiency, nuclear type 1. Also called: SUCCINATE CoQ REDUCTASE DEFICIENCY. Identifiers: Orphanet 3208, MedGen C5700310, MONDO:0100294, OMIM 252011.

Submission:

Labcorp Genetics (formerly Invitae), Labcorp
Classification: Pathogenic for Pheochromocytoma/paraganglioma syndrome 5; Mitochondrial complex II deficiency, nuclear type 1. Last evaluated: 2022-09-29. Review status: criteria provided, single submitter. Criteria: Invitae Variant Classification Sherloc (09022015). Collection method: clinical testing. Allele origin: germline.
Comment: For these reasons, this variant has been classified as Pathogenic. Algorithms developed to predict the effect of sequence changes on RNA splicing suggest that this variant may disrupt the consensus splice site. Disruption of this splice site has been observed in individuals with paraganglioma-pheochromocytoma syndromes and/or colon adenocarcinoma (PMID: 29625052; Invitae). This variant is not present in population databases (gnomAD no frequency). This sequence change affects a donor splice site in intron 12 of the SDHA gene. It is expected to disrupt RNA splicing. Variants that disrupt the donor or acceptor splice site typically lead to a loss of protein function (PMID: 16199547), and loss-of-function variants in SDHA are known to be pathogenic (PMID: 22974104, 24781757).

Literature cited by the submitters: PubMed 29625052; PubMed 16199547; PubMed 22974104; PubMed 24781757.